The following is an entry in ClinVar:

NC_000020.10:g.(?_35539601)_(35547942_?)dup

Gene: SAMHD1 (SAM and HD domain containing deoxynucleoside triphosphate triphosphohydrolase 1; minus strand). Cytogenetic location: 20q11.23.
Variant type: Duplication.
Identifiers: ClinVar variation 470217 (VCV000470217.3).

ClinVar aggregate classification (germline): Likely pathogenic (1 of 4 stars; one submission).

Conditions:
Aicardi-Goutieres syndrome 5. Identifiers: Orphanet 51, MedGen C2749659, MONDO:0013059, OMIM 612952.

Submission:

Labcorp Genetics (formerly Invitae), Labcorp
Classification: Likely pathogenic for Aicardi Goutieres syndrome 5. Last evaluated: 2019-07-17. Review status: criteria provided, single submitter. Criteria: Invitae Variant Classification Sherloc (09022015). Collection method: clinical testing. Allele origin: germline.
Comment: This variant results in a copy number gain of the genomic region encompassing exons 7-11 of the SAMHD1 gene. While the exact position of this variant cannot be determined from this data, sub-genic copy number gains are generally in tandem (PMID: 25640679) and may result in an absent or disrupted protein product. This variant has not been reported in the literature in individuals with SAMHD1-related conditions. Loss-of-function variants in SAMHD1 are known to be pathogenic (PMID: 19525956, 22461318). In summary, the currently available evidence indicates that the variant is pathogenic, but additional data are needed to prove that conclusively. Therefore, this variant has been classified as Likely Pathogenic.